The following is an entry in ClinVar:

ClinVar aggregate classification (germline): Uncertain significance. Review status: criteria provided, multiple submitters, no conflicts (2 of 4 stars). 6 submissions from 5 submitters: Uncertain significance (6). Last evaluated 2025-04-29.

Conditions:
Cardiovascular phenotype. Identifiers: MedGen CN230736.
Hereditary cancer-predisposing syndrome. Also called: Hereditary neoplastic syndrome; Neoplastic Syndromes, Hereditary; Tumor predisposition; Hereditary Cancer Syndrome. Identifiers: Orphanet 140162, MedGen C0027672, MeSH D009386, MONDO:0015356.
Juvenile myelomonocytic leukemia (JMML). Also called: LEUKEMIA, JUVENILE MYELOMONOCYTIC, SOMATIC. Identifiers: Orphanet 86834, MedGen C0349639, MONDO:0011908, OMIM 607785, HP:0012209.
Neurofibromatosis, type 1 (NF1). Also called: VON RECKLINGHAUSEN DISEASE; Peripheral type neurofibromatosis; NEUROFIBROMATOSIS, TYPE I, SOMATIC; Neurofibromatosis, type I. Identifiers: Orphanet 636, MedGen C0027831, MONDO:0018975, OMIM 162200. Disease mechanism: loss of function.

Submissions (6):

Labcorp Genetics (formerly Invitae), Labcorp
Classification: Uncertain significance for Neurofibromatosis, type 1. Last evaluated: 2025-04-29. Review status: criteria provided, single submitter. Criteria: Invitae Variant Classification Sherloc (09022015). Collection method: clinical testing. Allele origin: germline.
Comment: This sequence change replaces arginine, which is basic and polar, with glutamine, which is neutral and polar, at codon 1674 of the NF1 protein (p.Arg1674Gln). This variant is not present in population databases (gnomAD no frequency). This variant has not been reported in the literature in individuals affected with NF1-related conditions. ClinVar contains an entry for this variant (Variation ID: 481891). Invitae Evidence Modeling of protein sequence and biophysical properties (such as structural, functional, and spatial information, amino acid conservation, physicochemical variation, residue mobility, and thermodynamic stability) indicates that this missense variant is expected to disrupt NF1 protein function with a positive predictive value of 95%. In summary, the available evidence is currently insufficient to determine the role of this variant in disease. Therefore, it has been classified as a Variant of Uncertain Significance.

GeneDx
Classification: Uncertain significance. Last evaluated: 2024-12-10. Review status: criteria provided, single submitter. Criteria: GeneDx Variant Classification Process June 2021. Collection method: clinical testing. Allele origin: germline. Affected: yes.
Comment: Not observed at significant frequency in large population cohorts (gnomAD); In silico analysis supports that this missense variant has a deleterious effect on protein structure/function; Has not been previously published as pathogenic or benign to our knowledge

Baylor Genetics
Classification: Uncertain significance for Juvenile myelomonocytic leukemia. Last evaluated: 2023-07-26. Review status: criteria provided, single submitter. Criteria: ACMG Guidelines, 2015. Collection method: clinical testing. Allele origin: unknown.

Genome-Nilou Lab
Classification: Uncertain significance for Neurofibromatosis, type 1. Last evaluated: 2022-03-15. Review status: criteria provided, single submitter. Criteria: ACMG Guidelines, 2015. Collection method: clinical testing. Allele origin: germline. Affected: no.

Ambry Genetics
Classification: Uncertain significance for Cardiovascular phenotype; Hereditary cancer-predisposing syndrome. Last evaluated: 2016-10-26. Review status: criteria provided, single submitter. Criteria: Ambry Variant Classification Scheme 2023. Collection method: clinical testing. Allele origin: germline.

Ambry Genetics
Classification: Uncertain significance for Hereditary cancer-predisposing syndrome. Last evaluated: 2016-01-04. Review status: criteria provided, single submitter. Criteria: Ambry Autosomal Dominant and X-Linked criteria (10/2015). Collection method: clinical testing. Allele origin: germline. Observed: 1 variant allele.
Comment: The p.R1695Q variant (also known as c.5084G>A), located in coding exon 37 of the NF1 gene, results from a G to A substitution at nucleotide position 5084. The arginine at codon 1695 is replaced by glutamine, an amino acid with highly similar properties. This variant was not reported in population based cohorts in the following databases: Database of Single Nucleotide Polymorphisms (dbSNP), NHLBI Exome Sequencing Project (ESP), and 1000 Genomes Project. In the ESP, this variant was not observed in 6503 samples (13006 alleles) with coverage at this position. To date, this alteration has been detected with an allele frequency of approximately 0.001% (greater than 110000 alleles tested) in our clinical cohort. This amino acid position is highly conserved in available vertebrate species. In addition, the in silico prediction for this alteration is inconclusive. Since supporting evidence is limited at this time, the clinical significance of p.R1695Q remains unclear.

NM_001042492.3(NF1):c.5084G>A (p.Arg1695Gln)

Gene: NF1 (neurofibromin 1; plus strand). Cytogenetic location: 17q11.2.
Variant type: single nucleotide variant.
Coding change: c.5084G>A on transcript NM_001042492.3 (MANE Select); coding-DNA position 5084, G replaced by A.
Protein change: p.Arg1695Gln; replaces arginine 1695 with glutamine.
Molecular consequence: missense variant.
Genome position (GRCh38, 1-based): chr17:31,326,068, G>A. VCF-style: chr17-31326068-G-A. GRCh37 (hg19) VCF-style: chr17-29653086-G-A.
Other names: c.5021G>A, p.Arg1674Gln (NM_000267.4); short protein forms R1674Q, R1695Q.
Identifiers: ClinVar variation 481891 (VCV000481891.13), dbSNP rs1555533367, ClinGen allele CA399007513.